The following is an entry in ClinVar:

ClinVar aggregate classification (germline): Uncertain significance. Review status: criteria provided, multiple submitters, no conflicts (2 of 4 stars). 2 submissions from 2 submitters: Uncertain significance (2). Last evaluated 2025-02-02.

Conditions:
Peroxisome biogenesis disorder 7A (Zellweger). Also called: Peroxisome biogenesis disorder 7A. Identifiers: Orphanet 912, MedGen C3888385, MONDO:0013938, OMIM 614872.
Peroxisome biogenesis disorder 7B (PBD7B). Identifiers: Orphanet 44, MedGen C3553951, MONDO:0013939, OMIM 614873.

Allele frequency attached by ClinVar (database versions not stated): TOPMed 0.00002; ExAC 0.00003; 1000 Genomes Project 30x 0.00016.

Submissions (2):

Labcorp Genetics (formerly Invitae), Labcorp
Classification: Uncertain significance for Peroxisome biogenesis disorder 7A (Zellweger); Peroxisome biogenesis disorder 7B. Last evaluated: 2025-02-02. Review status: criteria provided, single submitter. Criteria: Invitae Variant Classification Sherloc (09022015). Collection method: clinical testing. Allele origin: germline.
Comment: This sequence change replaces lysine, which is basic and polar, with arginine, which is basic and polar, at codon 82 of the PEX26 protein (p.Lys82Arg). This variant is present in population databases (rs773761457, gnomAD 0.004%). This variant has not been reported in the literature in individuals affected with PEX26-related conditions. ClinVar contains an entry for this variant (Variation ID: 1981262). Invitae Evidence Modeling of protein sequence and biophysical properties (such as structural, functional, and spatial information, amino acid conservation, physicochemical variation, residue mobility, and thermodynamic stability) has been performed for this missense variant. However, the output from this modeling did not meet the statistical confidence thresholds required to predict the impact of this variant on PEX26 protein function. In summary, the available evidence is currently insufficient to determine the role of this variant in disease. Therefore, it has been classified as a Variant of Uncertain Significance.

Blueprint Genetics
Classification: Uncertain significance. Last evaluated: 2024-02-09. Review status: criteria provided, single submitter. Criteria: ACMG Guidelines, 2015. Collection method: clinical testing. Allele origin: germline.

NM_001127649.3(PEX26):c.245A>G (p.Lys82Arg)

Gene: PEX26 (peroxisomal biogenesis factor 26; plus strand). Cytogenetic location: 22q11.21.
Variant type: single nucleotide variant.
Coding change: c.245A>G on transcript NM_001127649.3 (MANE Select); coding-DNA position 245, A replaced by G.
Protein change: p.Lys82Arg; replaces lysine 82 with arginine.
Molecular consequence: missense variant.
Genome position (GRCh38, 1-based): chr22:18,079,888, A>G. VCF-style: chr22-18079888-A-G. GRCh37 (hg19) VCF-style: chr22-18562654-A-G.
Other names: c.245A>G, p.Lys82Arg (NM_001199319.2, NM_017929.6); short protein forms K82R.
Identifiers: ClinVar variation 1981262 (VCV001981262.3), dbSNP rs773761457, ClinGen allele CA10093279.